The following is an entry in ClinVar:

ClinVar aggregate classification (germline): Conflicting classifications of pathogenicity. Review status: criteria provided, conflicting classifications (1 of 4 stars). 2 submissions from 2 submitters: Uncertain significance (1); Likely benign (1). Last evaluated 2026-01-01.

Allele frequency attached by ClinVar (database versions not stated): ExAC 0.00004; TOPMed 0.00005; gnomAD 0.00020 and 0.00022.
gnomAD v4.1: 140 of 1,613,192 alleles (0.0087%); highest among the groups gnomAD compares: Non-Finnish European, 0.011%; no homozygotes.

Submissions (2):

CeGaT Center for Human Genetics Tuebingen
Classification: Likely benign. Last evaluated: 2026-01-01. Review status: criteria provided, single submitter. Criteria: CeGaT Center For Human Genetics Tuebingen Variant Classification Criteria Version 2. Collection method: clinical testing. Allele origin: germline. Affected: yes. Observed: 3 variant alleles.
Comment: SYT2: BP4

Labcorp Genetics (formerly Invitae), Labcorp
Classification: Uncertain significance. Last evaluated: 2025-12-03. Review status: criteria provided, single submitter. Criteria: Invitae Variant Classification Sherloc (09022015). Collection method: clinical testing. Allele origin: germline.
Comment: This sequence change falls in intron 7 of the SYT2 gene. It does not directly change the encoded amino acid sequence of the SYT2 protein. It affects a nucleotide within the consensus splice site. This variant is present in population databases (rs752537599, gnomAD 0.03%). This variant has not been reported in the literature in individuals affected with SYT2-related conditions. ClinVar contains an entry for this variant (Variation ID: 1335008). Variants that disrupt the consensus splice site are a relatively common cause of aberrant splicing (PMID: 17576681, 9536098). Algorithms developed to predict the effect of sequence changes on RNA splicing suggest that this variant is not likely to affect RNA splicing. In summary, the available evidence is currently insufficient to determine the role of this variant in disease. Therefore, it has been classified as a Variant of Uncertain Significance.

Literature cited by the submitters: PubMed 17576681 (cited by Labcorp Genetics (formerly Invitae), Labcorp); PubMed 9536098 (cited by Labcorp Genetics (formerly Invitae), Labcorp).

NM_177402.5(SYT2):c.919+5G>A

Gene: SYT2 (synaptotagmin 2; minus strand). Cytogenetic location: 1q32.1.
Variant type: single nucleotide variant.
Coding change: c.919+5G>A on transcript NM_177402.5 (MANE Select); 5 bases into the intron after coding-DNA position 919, G replaced by A.
Molecular consequence: intron variant.
Genome position (GRCh38, 1-based): chr1:202,600,352, C>T on the plus strand (G>A on the coding strand, the complement: SYT2 is on the minus strand). VCF-style: chr1-202600352-C-T. GRCh37 (hg19) VCF-style: chr1-202569480-C-T.
Other names: c.919+5G>A (NM_001136504.1).
Identifiers: ClinVar variation 1335008 (VCV001335008.40), dbSNP rs752537599, ClinGen allele CA1333666.
Genomic context (GRCh38, chr1:202,600,352, plus strand): 5'-TCTGGGACTTGGTGCTGACTGGCTCGCTGGTGCCACCCAATGGCAGCCAGAAGCTCTCCA[C>T]GTACCTGAAAGGCCGCCCACGTCCATCTTCTTGAGGTTCTTAGCCTCCAGGATGCAGACA-3'